The following is an entry in ClinVar:

ClinVar aggregate classification (germline): Uncertain significance. Review status: criteria provided, multiple submitters, no conflicts (2 of 4 stars). 2 submissions from 2 submitters: Uncertain significance (2). Last evaluated 2026-04-09.

Conditions:
TNC-related disorder. Also called: TNC-related condition.

Submissions (2):

PreventionGenetics, part of Exact Sciences
Classification: Uncertain significance for TNC-related condition. Last evaluated: 2026-04-09. Review status: criteria provided, single submitter. Criteria: ACMG Guidelines, 2015. Collection method: clinical testing. Allele origin: germline.
Comment: The TNC c.6287A>C variant is predicted to result in the amino acid substitution p.Lys2096Thr. To our knowledge, this variant has not been reported in the literature. This variant is reported in 0.0085% of alleles in individuals of European (Non-Finnish) descent in gnomAD. At this time, the clinical significance of this variant is uncertain due to the absence of conclusive functional and genetic evidence.

Ambry Genetics
Classification: Uncertain significance. Last evaluated: 2024-06-05. Review status: criteria provided, single submitter. Criteria: Ambry Variant Classification Scheme 2023. Collection method: clinical testing. Allele origin: germline.

NM_002160.4(TNC):c.6287A>C (p.Lys2096Thr)

Gene: TNC (tenascin C; minus strand). Cytogenetic location: 9q33.1.
Variant type: single nucleotide variant.
Coding change: c.6287A>C on transcript NM_002160.4 (MANE Select); coding-DNA position 6287, A replaced by C.
Protein change: p.Lys2096Thr; replaces lysine 2096 with threonine.
Molecular consequence: missense variant.
Genome position (GRCh38, 1-based): chr9:115,026,578, T>G on the plus strand (A>C on the coding strand, the complement: TNC is on the minus strand). VCF-style: chr9-115026578-T-G. GRCh37 (hg19) VCF-style: chr9-117788857-T-G.
Other names: c.5741A>C, p.Lys1914Thr (NM_001410991.1); short protein forms K1914T, K2096T.
Identifiers: ClinVar variation 3327438 (VCV003327438.2).